The following is an entry in ClinVar:

ClinVar aggregate classification (germline): Uncertain significance. Review status: criteria provided, multiple submitters, no conflicts (2 of 4 stars). 4 submissions from 4 submitters: Uncertain significance (3). 1 of the submissions does not count toward it. Last evaluated 2026-01-28.

Conditions:
Fanconi anemia (FA). Also called: Fanconi's anemia. Identifiers: Orphanet 84, MedGen C0015625, MeSH D005199, MONDO:0019391.
Inborn genetic diseases. Identifiers: MedGen C0950123, MeSH D030342.

Allele frequency attached by ClinVar (database versions not stated): gnomAD below 0.00001 and 0.00001; TOPMed below 0.00001; gnomAD exomes 0.00001; 1000 Genomes Project 30x 0.00016; 1000 Genomes Project 0.00020.
gnomAD v4.1: 11 of 1,551,202 alleles (0.00071%); highest among the groups gnomAD compares: Middle Eastern, 0.017%; no homozygotes.

Submissions (4):

Labcorp Genetics (formerly Invitae), Labcorp
Classification: Uncertain significance for Fanconi anemia. Last evaluated: 2026-01-28. Review status: criteria provided, single submitter. Criteria: Invitae Variant Classification Sherloc (09022015). Collection method: clinical testing. Allele origin: germline.
Comment: This sequence change replaces leucine, which is neutral and non-polar, with phenylalanine, which is neutral and non-polar, at codon 1313 of the FANCA protein (p.Leu1313Phe). This variant is present in population databases (rs551306400, gnomAD 0.004%). This variant has not been reported in the literature in individuals affected with FANCA-related conditions. ClinVar contains an entry for this variant (Variation ID: 408178). Invitae Evidence Modeling of protein sequence and biophysical properties (such as structural, functional, and spatial information, amino acid conservation, physicochemical variation, residue mobility, and thermodynamic stability) indicates that this missense variant is not expected to disrupt FANCA protein function with a negative predictive value of 95%. In summary, the available evidence is currently insufficient to determine the role of this variant in disease. Therefore, it has been classified as a Variant of Uncertain Significance.

Ambry Genetics
Classification: Uncertain significance for Inborn genetic diseases. Last evaluated: 2025-01-01. Review status: criteria provided, single submitter. Criteria: Ambry Variant Classification Scheme 2023. Collection method: clinical testing. Allele origin: germline.

GeneDx
Classification: Uncertain significance. Last evaluated: 2022-11-29. Review status: criteria provided, single submitter. Criteria: GeneDx Variant Classification Process June 2021. Collection method: clinical testing. Allele origin: germline. Affected: yes.
Comment: Not observed at a significant frequency in large population cohorts (gnomAD); In silico analysis supports that this missense variant does not alter protein structure/function; Has not been previously published as pathogenic or benign to our knowledge

Natera, Inc.
Classification: Uncertain significance for Fanconi anemia. Last evaluated: 2020-02-21. Review status: no assertion criteria provided. Collection method: clinical testing. Allele origin: germline. Not counted in ClinVar's aggregate classification.

NM_000135.4(FANCA):c.3937C>T (p.Leu1313Phe)

Genes: FANCA (FA complementation group A; minus strand), ZNF276 (zinc finger protein 276; plus strand). Cytogenetic location: 16q24.3.
Variant type: single nucleotide variant.
Coding change: c.3937C>T on transcript NM_000135.4 (MANE Select); coding-DNA position 3937, C replaced by T.
Protein change: p.Leu1313Phe; replaces leucine 1313 with phenylalanine.
Molecular consequence: missense variant. On other transcripts: 3 prime UTR variant (2), non-coding transcript variant (4).
Genome position (GRCh38, 1-based): chr16:89,739,551, G>A on the plus strand (C>T on the coding strand, the complement: FANCA is on the minus strand). VCF-style: chr16-89739551-G-A. GRCh37 (hg19) VCF-style: chr16-89805959-G-A.
Other names: c.3937C>T, p.Leu1313Phe (NM_001286167.3); c.*1305G>A (NM_001113525.2, NM_152287.4); short protein forms L1313F.
Identifiers: ClinVar variation 408178 (VCV000408178.12), dbSNP rs551306400, ClinGen allele CA16615022.
Genomic context (GRCh38, chr16:89,739,551, plus strand): 5'-AAGGCAGCAGCCTGGTGTGCTGATCCGGGGCCACACGGAGGAGGAGCCGCCCCAGCCTGA[G>A]GTCTGCAACACCAAGAAGTGGCTCAGGCAACTCTGGACATCTCTGCCTATTATCAGTGCT-3'
Protein context (NP_000126.2, residues 1303-1323): LALFQLTESD[Leu1313Phe]RLGRLLLRVA